The following is an entry in ClinVar:

NM_005732.4(RAD50):c.1324A>G (p.Ile442Val)

Gene: RAD50 (RAD50 double strand break repair protein; plus strand). Cytogenetic location: 5q31.1.
Variant type: single nucleotide variant.
Coding change: c.1324A>G on transcript NM_005732.4 (MANE Select); coding-DNA position 1324, A replaced by G.
Protein change: p.Ile442Val; replaces isoleucine 442 with valine.
Molecular consequence: missense variant.
Genome position (GRCh38, 1-based): chr5:132,589,709, A>G. VCF-style: chr5-132589709-A-G. GRCh37 (hg19) VCF-style: chr5-131925401-A-G.
Other names: c.1324A>G (NM_005732.3); short protein forms I442V.
Identifiers: ClinVar variation 1052711 (VCV001052711.10), dbSNP rs2149841492, ClinGen allele CA360943839.

ClinVar aggregate classification (germline): Uncertain significance. Review status: criteria provided, multiple submitters, no conflicts (2 of 4 stars). 2 submissions from 2 submitters: Uncertain significance (2). Last evaluated 2024-08-18.

Conditions:
Hereditary cancer-predisposing syndrome. Also called: Tumor predisposition; Hereditary neoplastic syndrome; Hereditary Cancer Syndrome; Neoplastic Syndromes, Hereditary. Identifiers: Orphanet 140162, MedGen C0027672, MeSH D009386, MONDO:0015356.

Submissions (2):

Ambry Genetics
Classification: Uncertain significance for Hereditary cancer-predisposing syndrome. Last evaluated: 2024-08-18. Review status: criteria provided, single submitter. Criteria: Ambry Variant Classification Scheme 2023. Collection method: clinical testing. Allele origin: germline.
Comment: The p.I442V variant (also known as c.1324A>G), located in coding exon 9 of the RAD50 gene, results from an A to G substitution at nucleotide position 1324. The isoleucine at codon 442 is replaced by valine, an amino acid with highly similar properties. This amino acid position is conserved. In addition, this alteration is predicted to be tolerated by in silico analysis. Based on the available evidence, the clinical significance of this variant remains unclear.

Labcorp Genetics (formerly Invitae), Labcorp
Classification: Uncertain significance for Hereditary cancer-predisposing syndrome. Last evaluated: 2022-02-25. Review status: criteria provided, single submitter. Criteria: Invitae Variant Classification Sherloc (09022015). Collection method: clinical testing. Allele origin: germline.
Comment: Algorithms developed to predict the effect of missense changes on protein structure and function output the following: SIFT: "Tolerated"; PolyPhen-2: "Benign"; Align-GVGD: "Class C0". The valine amino acid residue is found in multiple mammalian species, which suggests that this missense change does not adversely affect protein function. ClinVar contains an entry for this variant (Variation ID: 1052711). This variant has not been reported in the literature in individuals affected with RAD50-related conditions. This variant is not present in population databases (gnomAD no frequency). This sequence change replaces isoleucine, which is neutral and non-polar, with valine, which is neutral and non-polar, at codon 442 of the RAD50 protein (p.Ile442Val). In summary, the available evidence is currently insufficient to determine the role of this variant in disease. Therefore, it has been classified as a Variant of Uncertain Significance. Algorithms developed to predict the effect of sequence changes on RNA splicing suggest that this variant may create or strengthen a splice site.